The following is an entry in ClinVar:

NM_006073.4(TRDN):c.1690C>T (p.Gln564Ter)

Gene: TRDN (triadin; minus strand). Cytogenetic location: 6q22.31.
Variant type: single nucleotide variant.
Coding change: c.1690C>T on transcript NM_006073.4 (MANE Select); coding-DNA position 1690, C replaced by T.
Protein change: p.Gln564Ter; replaces glutamine 564 with a stop codon.
Molecular consequence: nonsense.
Genome position (GRCh38, 1-based): chr6:123,271,169, G>A on the plus strand (C>T on the coding strand, the complement: TRDN is on the minus strand). VCF-style: chr6-123271169-G-A. GRCh37 (hg19) VCF-style: chr6-123592314-G-A.
Other names: short protein forms Q564*.
Identifiers: ClinVar variation 1778127 (VCV001778127.2), dbSNP rs892905883, ClinGen allele CA365564527.

ClinVar aggregate classification (germline): Uncertain significance (1 of 4 stars; one submission).

Conditions:
Cardiovascular phenotype. Identifiers: MedGen CN230736.

Submission:

Ambry Genetics
Classification: Uncertain significance for Cardiovascular phenotype. Last evaluated: 2018-07-26. Review status: criteria provided, single submitter. Criteria: Ambry Variant Classification Scheme 2023. Collection method: clinical testing. Allele origin: germline.
Comment: The p.Q564* variant (also known as c.1690C>T), located in coding exon 30 of the TRDN gene, results from a C to T substitution at nucleotide position 1690. This changes the amino acid from a glutamine to a stop codon within coding exon 30. This alteration is expected to result in loss of function by premature protein truncation or nonsense-mediated mRNA decay. However, this alteration does not impact the predominant cardiacTRDN isoform (NM_001256021.1, Kobayashi YM and Jones LR. J Biol Chem. 1999;274(40):28660-8). Since supporting evidence is limited at this time, the clinical significance of this alteration remains unclear.